The following is an entry in ClinVar:

NM_000038.6(APC):c.931_933+2delinsCA

Gene: APC (APC regulator of Wnt signaling pathway; plus strand). Cytogenetic location: 5q22.2.
Variant type: Indel.
Coding change: c.931_933+2delinsCA on transcript NM_000038.6 (MANE Select); coding-DNA position 931 through the canonical splice donor site of the intron after coding-DNA position 933, AAGGT replaced by CA.
Molecular consequence: splice donor variant.
Genome position (GRCh38, 1-based): chr5:112,815,591-112,815,595, AAGGT replaced by CA. VCF-style: chr5-112815591-AAGGT-CA. GRCh37 (hg19) VCF-style: chr5-112151288-AAGGT-CA.
Other names: c.931_933+2delinsCA (NM_001354895.2, NM_001127510.3, NM_001354896.2 and 1 more transcripts); c.961_963+2delinsCA (NM_001354897.2, NM_001354902.2); c.877_879+2delinsCA (NM_001127511.3); c.856_858+2delinsCA (NM_001354898.2, NM_001354904.2); c.82_84+2delinsCA (NM_001354906.2); c.847_849+2delinsCA (NM_001354899.2); c.754_756+2delinsCA (NM_001354900.2, NM_001354901.2, NM_001354905.2).
Identifiers: ClinVar variation 1766545 (VCV001766545.7), dbSNP rs2532973500, ClinGen allele CA1139770842.

ClinVar aggregate classification (germline): Pathogenic/Likely pathogenic. Review status: criteria provided, multiple submitters, no conflicts (2 of 4 stars). 2 submissions from 2 submitters: Pathogenic (1); Likely pathogenic (1). Last evaluated 2022-03-06.

Conditions:
Hereditary cancer-predisposing syndrome. Also called: Hereditary Cancer Syndrome; Hereditary neoplastic syndrome; Neoplastic Syndromes, Hereditary; Tumor predisposition. Identifiers: Orphanet 140162, MedGen C0027672, MeSH D009386, MONDO:0015356.
Familial adenomatous polyposis 1 (FAP1). Also called: FAMILIAL ADENOMATOUS POLYPOSIS 1, ATTENUATED; POLYPOSIS, ADENOMATOUS INTESTINAL. Identifiers: MedGen C2713442, MONDO:0021056, OMIM 175100. Disease mechanism: loss of function.

Submissions (2):

Labcorp Genetics (formerly Invitae), Labcorp
Classification: Likely pathogenic for Familial adenomatous polyposis 1. Last evaluated: 2022-03-06. Review status: criteria provided, single submitter. Criteria: Invitae Variant Classification Sherloc (09022015). Collection method: clinical testing. Allele origin: germline.
Comment: In summary, the currently available evidence indicates that the variant is pathogenic, but additional data are needed to prove that conclusively. Therefore, this variant has been classified as Likely Pathogenic. Algorithms developed to predict the effect of sequence changes on RNA splicing suggest that this variant may disrupt the consensus splice site. This variant has not been reported in the literature in individuals affected with APC-related conditions. This variant is not present in population databases (gnomAD no frequency). This variant results in the deletion of part of exon 9 of the APC gene. It is expected to disrupt RNA splicing. Variants that disrupt the donor or acceptor splice site typically lead to a loss of protein function (PMID: 16199547), and loss-of-function variants in APC are known to be pathogenic (PMID: 17963004, 20685668).

Ambry Genetics
Classification: Pathogenic for Hereditary cancer-predisposing syndrome. Last evaluated: 2017-01-18. Review status: criteria provided, single submitter. Criteria: Ambry Variant Classification Scheme 2023. Collection method: clinical testing. Allele origin: germline.
Comment: The c.931_933+2delAAGGTinsCA pathogenic mutation results from a deletion of the last three nucleotides of coding exon 8 of the APC gene, as well as the first two nucleotides of intron 8, and an insertion of CA in their place. This could result in a translational frameshift with a predicted alternate stop codon. This also could result in the deletion of the canonical splice site. There is no supporting experimental evidence available for either case. However, both frameshifts and alterations that disrupt the canonical splice site are expected to cause loss of function or aberrant splicing, resulting in premature protein truncation, an abnormal protein or a transcript that is subject to nonsense-mediated mRNA decay. As such, this alteration is classified as a disease-causing mutation.

Literature cited by the submitters: PubMed 16199547 (cited by Labcorp Genetics (formerly Invitae), Labcorp); PubMed 17963004 (cited by Labcorp Genetics (formerly Invitae), Labcorp); PubMed 20685668 (cited by Labcorp Genetics (formerly Invitae), Labcorp).